The following is an entry in ClinVar:

ClinVar aggregate classification (germline): Uncertain significance (1 of 4 stars; one submission).

Submission:

CeGaT Center for Human Genetics Tuebingen
Classification: Uncertain significance. Last evaluated: 2022-08-01. Review status: criteria provided, single submitter. Criteria: CeGaT Center For Human Genetics Tuebingen Variant Classification Criteria Version 2. Collection method: clinical testing. Allele origin: germline. Affected: yes. Observed: 1 variant allele.
Comment: BPTF: PM2

NM_182641.4(BPTF):c.132_143del (p.Ser46_Gly49del)

Gene: BPTF (bromodomain PHD finger transcription factor; plus strand). Cytogenetic location: 17q24.2.
Variant type: Deletion.
Coding change: c.132_143del on transcript NM_182641.4 (MANE Select); coding-DNA positions 132 to 143, 12 bases deleted (CGGCAGCAGCCG).
Protein change: p.Ser46_Gly49del.
Molecular consequence: inframe deletion.
Genome position (GRCh38, 1-based): chr17:67,825,856-67,825,867, CGGCAGCAGCCG deleted; deleting any 12 consecutive bases within chr17:67,825,853-67,825,867 gives the same sequence; the c. name uses the placement nearest the transcript's 3' end. VCF-style (leftmost placement, unchanged base first): chr17-67825852-ACCGCGGCAGCAG-A. GRCh37 (hg19) VCF-style: chr17-65821968-ACCGCGGCAGCAG-A.
Other names: c.132_143del, p.Ser46_Gly49del (NM_004459.7).
Identifiers: ClinVar variation 2648121 (VCV002648121.24), dbSNP rs2509373748, ClinGen allele CA2695200328.